The following is an entry in ClinVar:

ClinVar aggregate classification (germline): Pathogenic (1 of 4 stars; one submission).

Conditions:
Rhabdoid tumor predisposition syndrome 2 (RTPS2). Identifiers: Orphanet 231108, Orphanet 69077, MedGen C2750074, MONDO:0013224, OMIM 613325.

Submission:

Victorian Clinical Genetics Services, Murdoch Childrens Research Institute
Classification: Pathogenic for Rhabdoid tumor predisposition syndrome 2. Last evaluated: 2024-10-11. Review status: criteria provided, single submitter. Criteria: ACMG Guidelines, 2015. Collection method: clinical testing. Allele origin: germline. Inheritance: Autosomal dominant inheritance. Affected: no.
Comment: Based on the classification scheme VCGS_Germline_v1.3.5, this variant is classified as Pathogenic. Following criteria are met: 0103 - Dominant negative or gain of function are likely mechanisms of disease in this gene and are associated with Coffin-Siris syndrome 4 (MIM#614609) (PMID: 23556151). However, susceptibility to rhabdoid tumor predisposition syndrome 2 (MIM#613325) is caused by loss of function variants (OMIM, PMID: 22426308). (I) 0107 - This gene is associated with autosomal dominant disease. (I) 0201 - Variant is predicted to cause nonsense-mediated decay (NMD) and loss of protein (premature termination codon is located at least 54 nucleotides upstream of the final exon-exon junction). (SP) 0251 - This variant is heterozygous. (I) 0301 - Variant is absent from gnomAD (v2, v3 and v4). (SP) 0701 - Other NMD-predicted variants comparable to the one identified in this case have very strong previous evidence for pathogenicity (DECIPHER). (SP) 0807 - This variant has no previous evidence of pathogenicity. (I) 0905 - No published segregation evidence has been identified for this variant. (I) 1007 - No published functional evidence has been identified for this variant. (I) Legend: (SP) - Supporting pathogenic, (I) - Information, (SB) - Supporting benign

Literature cited by the submitters: PubMed 22426308; PubMed 23556151.

NM_003072.5(SMARCA4):c.1425C>A (p.Tyr475Ter)

Gene: SMARCA4 (SWI/SNF related BAF chromatin remodeling complex subunit ATPase 4; plus strand). Cytogenetic location: 19p13.2.
Variant type: single nucleotide variant.
Coding change: c.1425C>A on transcript NM_003072.5 (MANE Select); coding-DNA position 1425, C replaced by A.
Protein change: p.Tyr475Ter; replaces tyrosine 475 with a stop codon.
Molecular consequence: nonsense. On other transcripts: non-coding transcript variant (1).
Genome position (GRCh38, 1-based): chr19:10,994,833, C>A. VCF-style: chr19-10994833-C-A. GRCh37 (hg19) VCF-style: chr19-11105509-C-A.
Other names: c.1425C>A, p.Tyr475Ter (NM_001128844.3, NM_001128845.2, NM_001128846.2 and 6 more transcripts); short protein forms Y475*.
Identifiers: ClinVar variation 3377271 (VCV003377271.1).
Genomic context (GRCh38, chr19:10,994,833, plus strand): 5'-GATGTGTCCACCATGCTGCTGAAGGGTCAGCCTTCTCTTTTGTGCTTTCCTGCAGGAATA[C>A]CTCAATAGCATTCTCCAGCATGCCAAGGATTTCAAGGAATATCACAGATCCGTCACAGGC-3'